The following is an entry in ClinVar:

NM_022051.3(EGLN1):c.1253C>T (p.Ser418Leu)

Gene: EGLN1 (egl-9 family hypoxia inducible factor 1; minus strand). Cytogenetic location: 1q42.2.
Variant type: single nucleotide variant.
Coding change: c.1253C>T on transcript NM_022051.3 (MANE Select); coding-DNA position 1253, C replaced by T.
Protein change: p.Ser418Leu; replaces serine 418 with leucine.
Molecular consequence: missense variant. On other transcripts: 3 prime UTR variant (2).
Genome position (GRCh38, 1-based): chr1:231,366,439, G>A on the plus strand (C>T on the coding strand, the complement: EGLN1 is on the minus strand). VCF-style: chr1-231366439-G-A. GRCh37 (hg19) VCF-style: chr1-231502185-G-A.
Other names: c.*33C>T (NM_001377260.1); c.*78C>T (NM_001377261.1); short protein forms S418L.
Identifiers: ClinVar variation 3227691 (VCV003227691.2), dbSNP rs779990034, ClinGen allele CA1452961.
Genomic context (GRCh38, chr1:231,366,439, plus strand): 5'-AGGTGAAGTGGGGTATTGCTGGATCAAAGGCTCTAGAAGACGTCTTTACCGACCGAATCT[G>A]AAGGTTTATTGAGTTCAACCCTCACACCTTTTTCACCTGCAAGGTAAAAAAAAAAAAAAT-3'
Protein context (NP_071334.1, residues 408-426): KGVRVELNKP[Ser418Leu]DSVGKDVF

ClinVar aggregate classification (germline): Uncertain significance (1 of 4 stars; one submission).

Allele frequency attached by ClinVar (database versions not stated): gnomAD 0.00001; gnomAD exomes below 0.00001; ExAC 0.00001; TOPMed 0.00002.
gnomAD v4.1: 3 of 1,613,708 alleles (0.00019%); highest among the groups gnomAD compares: African/African-American, 0.004%; no homozygotes.

Submission:

Ambry Genetics
Classification: Uncertain significance. Last evaluated: 2025-11-29. Review status: criteria provided, single submitter. Criteria: Ambry Variant Classification Scheme 2023. Collection method: clinical testing. Allele origin: germline.
Comment: The p.S418L variant (also known as c.1253C>T), located in coding exon 5 of the EGLN1 gene, results from a C to T substitution at nucleotide position 1253. The serine at codon 418 is replaced by leucine, an amino acid with dissimilar properties. This amino acid position is conserved. In addition, the in silico prediction for this alteration is inconclusive. Since supporting evidence is limited at this time, the clinical significance of this alteration remains unclear.